The following is an entry in ClinVar:

NM_004517.4(ILK):c.122C>T (p.Ala41Val)

Genes: ILK (integrin linked kinase; plus strand), TAF10 (TATA-box binding protein associated factor 10; minus strand). Cytogenetic location: 11p15.4.
Variant type: single nucleotide variant.
Coding change: c.122C>T on transcript NM_004517.4 (MANE Select); coding-DNA position 122, C replaced by T.
Protein change: p.Ala41Val; replaces alanine 41 with valine.
Molecular consequence: missense variant. On other transcripts: 3 prime UTR variant (1), intron variant (1).
Genome position (GRCh38, 1-based): chr11:6,608,078, C>T. VCF-style: chr11-6608078-C-T. GRCh37 (hg19) VCF-style: chr11-6629308-C-T.
Other names: c.122C>T, p.Ala41Val (NM_001014794.3, NM_001014795.3, NM_001278441.2); c.*2844G>A (NM_006284.4); c.-147-316C>T (NM_001278442.2); short protein forms A41V.
Identifiers: ClinVar variation 3666731 (VCV003666731.3).
Genomic context (GRCh38, chr11:6,608,078, plus strand): 5'-CTCAATGACCATTGCCCCTTCCTCAAAGGGACGATCATGGCTTCTCCCCCTTGCACTGGG[C>T]CTGCCGAGAGGGCCGCTCTGCTGTGGTTGAGATGTTGATCATGCGGGGGGCACGGATCAA-3'
Protein context (NP_004508.1, residues 31-51): DDHGFSPLHW[Ala41Val]CREGRSAVVE

ClinVar aggregate classification (germline): Uncertain significance. Review status: criteria provided, multiple submitters, no conflicts (2 of 4 stars). 2 submissions from 2 submitters: Uncertain significance (2). Last evaluated 2025-01-23.

Conditions:
Primary familial hypertrophic cardiomyopathy (HCM). Identifiers: Orphanet 99739, MedGen C0949658, MeSH D024741, MONDO:0024573. Inheritance: Various modes of inheritance.

gnomAD v4.1: 9 of 1,614,156 alleles (0.00056%); highest among the groups gnomAD compares: Non-Finnish European, 0.00076%; no homozygotes.

Submissions (2):

Labcorp Genetics (formerly Invitae), Labcorp
Classification: Uncertain significance for Primary familial hypertrophic cardiomyopathy. Last evaluated: 2025-01-23. Review status: criteria provided, single submitter. Criteria: Invitae Variant Classification Sherloc (09022015). Collection method: clinical testing. Allele origin: germline.
Comment: This sequence change replaces alanine, which is neutral and non-polar, with valine, which is neutral and non-polar, at codon 41 of the ILK protein (p.Ala41Val). This variant is present in population databases (rs760427367, gnomAD 0.0009%). This variant has not been reported in the literature in individuals affected with ILK-related conditions. An algorithm developed to predict the effect of missense changes on protein structure and function (PolyPhen-2) suggests that this variant is likely to be disruptive. In summary, the available evidence is currently insufficient to determine the role of this variant in disease. Therefore, it has been classified as a Variant of Uncertain Significance.

Blueprint Genetics
Classification: Uncertain significance. Last evaluated: 2019-12-12. Review status: criteria provided, single submitter. Criteria: ACMG Guidelines, 2015. Collection method: clinical testing. Allele origin: germline.